The following is an entry in ClinVar:

ClinVar aggregate classification (germline): Pathogenic. Review status: criteria provided, multiple submitters, no conflicts (2 of 4 stars). 3 submissions from 3 submitters: Pathogenic (3). Last evaluated 2024-01-22.

Conditions:
PHEX-related disorder. Also called: PHEX-related condition.
Familial X-linked hypophosphatemic vitamin D refractory rickets (XLHRD). Also called: Hypophosphatemic Rickets, X-Linked Dominant; Hypophosphatemia, vitamin D-resistant rickets; Vitamin D-resistant rickets, X-linked; X-Linked Hypophosphatemia; HYPOPHOSPHATEMIC VITAMIN D-RESISTANT RICKETS. Identifiers: Orphanet 89936, MedGen C0733682, MONDO:0010619, OMIM 307800.

Submissions (3):

Blueprint Genetics
Classification: Pathogenic for PHEX-related disorders. Last evaluated: 2024-01-22. Review status: criteria provided, single submitter. Criteria: ACMG Guidelines, 2015. Collection method: clinical testing. Allele origin: germline. Affected: yes. Observed: 1 variant allele.

GeneDx
Classification: Pathogenic. Last evaluated: 2017-01-30. Review status: criteria provided, single submitter. Criteria: GeneDx Variant Classification (06012015). Collection method: clinical testing. Allele origin: germline. Affected: yes.
Comment: The c.849+1 G>A splice site variant in the PHEX gene has been previously reported in association with X-linked hypophosphatemic rickets (Yamazaki et al., 2002; Qiu et al., 2015). This pathogenic variant destroys the canonical splice donor site in intron 7 and is expected to cause abnormal gene splicing. Functional studies confirm that this variant leads to loss of the normal splice donor site and activation of a cryptic splice site (Qiu et al., 2015). The variant was not observed in approximately 6,500 individuals of European and African American ancestry in the NHLBI Exome Sequencing Project, indicating it is not a common benign variant in these populations.

Imagene.me medical diagnostic laboratory, IMAGENE.ME SA
Classification: Pathogenic for Familial X-linked hypophosphatemic vitamin D refractory rickets. Review status: criteria provided, single submitter. Criteria: IMAGENE.ME Variant Classification SOP 2022. Collection method: clinical testing. Allele origin: de novo. Affected: yes.
Comment: Classified according to the IMAGENE.ME variant classification SOP based on the ACMG guidelines as Pathogenic (P): PVS1_Strong + PS2 + PM2 + PP4_Moderate + PP5

NM_000444.6(PHEX):c.849+1G>A

Gene: PHEX (phosphate regulating endopeptidase X-linked; plus strand). Cytogenetic location: Xp22.11.
Variant type: single nucleotide variant.
Coding change: c.849+1G>A on transcript NM_000444.6 (MANE Select); the canonical splice donor site of the intron after coding-DNA position 849, G replaced by A.
Molecular consequence: splice donor variant.
Genome position (GRCh38, 1-based): chrX:22,094,100, G>A. VCF-style: chrX-22094100-G-A. GRCh37 (hg19) VCF-style: chrX-22112218-G-A.
Other names: c.849+1G>A (NM_001282754.2).
Identifiers: ClinVar variation 381681 (VCV000381681.4), dbSNP rs1057521144, ClinGen allele CA16608815.